The following is an entry in ClinVar:

NM_198253.3(TERT):c.219+3G>A

Genes: TERT (telomerase reverse transcriptase; minus strand), LOC110806263 (TERT 5' regulatory region; plus strand). Cytogenetic location: 5p15.33.
Variant type: single nucleotide variant.
Coding change: c.219+3G>A on transcript NM_198253.3 (MANE Select); 3 bases into the intron after coding-DNA position 219, G replaced by A.
Molecular consequence: intron variant.
Genome position (GRCh38, 1-based): chr5:1,294,768, C>T on the plus strand (G>A on the coding strand, the complement: TERT is on the minus strand). VCF-style: chr5-1294768-C-T. GRCh37 (hg19) VCF-style: chr5-1294883-C-T.
Other names: c.219+3G>A (NM_001193376.3).
Identifiers: ClinVar variation 1377432 (VCV001377432.6), dbSNP rs2126691323, ClinGen allele CA2573138420.

ClinVar aggregate classification (germline): Uncertain significance (1 of 4 stars; one submission).

Conditions:
Dyskeratosis congenita, autosomal dominant 2. Identifiers: MedGen C3151443, MONDO:0013521, OMIM 613989.
Idiopathic Pulmonary Fibrosis. Also called: Idiopathic fibrosing alveolitis, chronic form; idiopathic fibrosing alveolitis. Identifiers: Orphanet 2032, MedGen C1800706, MeSH D054990, MONDO:0800504.

Submission:

Labcorp Genetics (formerly Invitae), Labcorp
Classification: Uncertain significance for Dyskeratosis congenita, autosomal dominant 2; Idiopathic Pulmonary Fibrosis. Last evaluated: 2025-05-05. Review status: criteria provided, single submitter. Criteria: Invitae Variant Classification Sherloc (09022015). Collection method: clinical testing. Allele origin: germline.
Comment: This sequence change falls in intron 1 of the TERT gene. It does not directly change the encoded amino acid sequence of the TERT protein. It affects a nucleotide within the consensus splice site. This variant is not present in population databases (gnomAD no frequency). This variant has not been reported in the literature in individuals affected with TERT-related conditions. ClinVar contains an entry for this variant (Variation ID: 1377432). Variants that disrupt the consensus splice site are a relatively common cause of aberrant splicing (PMID: 17576681, 9536098). Algorithms developed to predict the effect of sequence changes on RNA splicing suggest that this variant is not likely to affect RNA splicing. In summary, the available evidence is currently insufficient to determine the role of this variant in disease. Therefore, it has been classified as a Variant of Uncertain Significance.

Literature cited by the submitters: PubMed 17576681; PubMed 9536098.